The following is an entry in ClinVar:

NM_020987.5(ANK3):c.394A>G (p.Asn132Asp)

Gene: ANK3 (ankyrin 3; minus strand). Cytogenetic location: 10q21.2.
Variant type: single nucleotide variant.
Coding change: c.394A>G on transcript NM_020987.5 (MANE Select); coding-DNA position 394, A replaced by G.
Protein change: p.Asn132Asp; replaces asparagine 132 with aspartic acid.
Molecular consequence: missense variant.
Genome position (GRCh38, 1-based): chr10:60,278,794, T>C on the plus strand (A>G on the coding strand, the complement: ANK3 is on the minus strand). VCF-style: chr10-60278794-T-C. GRCh37 (hg19) VCF-style: chr10-62038552-T-C.
Other names: c.376A>G, p.Asn126Asp (NM_001204403.2); c.343A>G, p.Asn115Asp (NM_001204404.2); c.394A>G, p.Asn132Asp (NM_001320874.2); short protein forms N115D, N126D, N132D.
Identifiers: ClinVar variation 4975277 (VCV004975277.1).

ClinVar aggregate classification (germline): Uncertain significance (1 of 4 stars; one submission).

Submission:

GeneDx
Classification: Uncertain significance. Last evaluated: 2026-01-22. Review status: criteria provided, single submitter. Criteria: GeneDx Variant Classification Process June 2021. Collection method: clinical testing. Allele origin: germline.
Comment: Not observed at significant frequency in large population cohorts (gnomAD); In silico analysis supports that this missense variant has a deleterious effect on protein structure/function; Has not been previously published as pathogenic or benign to our knowledge